The following is an entry in ClinVar:

NM_001868.4(CPA1):c.149T>C (p.Leu50Pro)

Gene: CPA1 (carboxypeptidase A1; plus strand). Cytogenetic location: 7q32.2.
Variant type: single nucleotide variant.
Coding change: c.149T>C on transcript NM_001868.4 (MANE Select); coding-DNA position 149, T replaced by C.
Protein change: p.Leu50Pro; replaces leucine 50 with proline.
Molecular consequence: missense variant.
Genome position (GRCh38, 1-based): chr7:130,381,631, T>C. VCF-style: chr7-130381631-T-C. GRCh37 (hg19) VCF-style: chr7-130021472-T-C.
Other names: short protein forms L50P.
Identifiers: ClinVar variation 2782684 (VCV002782684.3), dbSNP rs992726475, ClinGen allele CA369279491.
Genomic context (GRCh38, chr7:130,381,631, plus strand): 5'-TGCTGTCCTGGCTGGTGCCCCCAGCCCGCTGTGACCGTGCCGGCTCTTGTCCTCCCCAGC[T>C]GGACTTCTGGCGGGGGCCTGCCCACCCTGGCTCCCCCATCGACGTCCGAGTGCCCTTCCC-3'
Protein context (NP_001859.1, residues 40-60): KELEDLEHLQ[Leu50Pro]DFWRGPAHPG

ClinVar aggregate classification (germline): Uncertain significance (1 of 4 stars; one submission).

Submission:

Labcorp Genetics (formerly Invitae), Labcorp
Classification: Uncertain significance. Last evaluated: 2023-08-22. Review status: criteria provided, single submitter. Criteria: Invitae Variant Classification Sherloc (09022015). Collection method: clinical testing. Allele origin: germline.
Comment: This variant is not present in population databases (gnomAD no frequency). This sequence change replaces leucine, which is neutral and non-polar, with proline, which is neutral and non-polar, at codon 50 of the CPA1 protein (p.Leu50Pro). An algorithm developed to predict the effect of missense changes on protein structure and function (PolyPhen-2) suggests that this variant is likely to be disruptive. This variant has not been reported in the literature in individuals affected with CPA1-related conditions. In summary, the available evidence is currently insufficient to determine the role of this variant in disease. Therefore, it has been classified as a Variant of Uncertain Significance.